The following is an entry in ClinVar:

NM_052947.4(ALPK2):c.2824G>A (p.Glu942Lys)

Gene: ALPK2 (alpha kinase 2; minus strand). Cytogenetic location: 18q21.31.
Variant type: single nucleotide variant.
Coding change: c.2824G>A on transcript NM_052947.4 (MANE Select); coding-DNA position 2824, G replaced by A.
Protein change: p.Glu942Lys; replaces glutamic acid 942 with lysine.
Molecular consequence: missense variant.
Genome position (GRCh38, 1-based): chr18:58,537,363, C>T on the plus strand (G>A on the coding strand, the complement: ALPK2 is on the minus strand). VCF-style: chr18-58537363-C-T. GRCh37 (hg19) VCF-style: chr18-56204595-C-T.
Other names: short protein forms E942K.
Identifiers: ClinVar variation 1796490 (VCV001796490.3), dbSNP rs2518877207, ClinGen allele CA402569698.

ClinVar aggregate classification (germline): Uncertain significance (1 of 4 stars; one submission).

Submission:

Ambry Genetics
Classification: Uncertain significance. Last evaluated: 2024-05-26. Review status: criteria provided, single submitter. Criteria: Ambry Variant Classification Scheme 2023. Collection method: clinical testing. Allele origin: germline.
Comment: The p.E942K variant (also known as c.2824G>A), located in coding exon 4 of the ALPK2 gene, results from a G to A substitution at nucleotide position 2824. The glutamic acid at codon 942 is replaced by lysine, an amino acid with similar properties. This amino acid position is conserved. In addition, this alteration is predicted to be tolerated by in silico analysis. Since supporting evidence is limited at this time, the clinical significance of this alteration remains unclear.